The following is an entry in ClinVar:

ClinVar aggregate classification (germline): Uncertain significance (1 of 4 stars; one submission).

Submission:

Labcorp Genetics (formerly Invitae), Labcorp
Classification: Uncertain significance. Last evaluated: 2023-04-11. Review status: criteria provided, single submitter. Criteria: Invitae Variant Classification Sherloc (09022015). Collection method: clinical testing. Allele origin: germline.
Comment: This variant is not present in population databases (gnomAD no frequency). This sequence change replaces glycine, which is neutral and non-polar, with arginine, which is basic and polar, at codon 966 of the ARID1B protein (p.Gly966Arg). This variant has not been reported in the literature in individuals affected with ARID1B-related conditions. Advanced modeling of protein sequence and biophysical properties (such as structural, functional, and spatial information, amino acid conservation, physicochemical variation, residue mobility, and thermodynamic stability) has been performed at Invitae for this missense variant, however the output from this modeling did not meet the statistical confidence thresholds required to predict the impact of this variant on ARID1B protein function. In summary, the available evidence is currently insufficient to determine the role of this variant in disease. Therefore, it has been classified as a Variant of Uncertain Significance.

NM_001374828.1(ARID1B):c.3106G>C (p.Gly1036Arg)

Gene: ARID1B (AT-rich interaction domain 1B; plus strand). Cytogenetic location: 6q25.3.
Variant type: single nucleotide variant.
Coding change: c.3106G>C on transcript NM_001374828.1 (MANE Select); coding-DNA position 3106, G replaced by C.
Protein change: p.Gly1036Arg; replaces glycine 1036 with arginine.
Molecular consequence: missense variant.
Genome position (GRCh38, 1-based): chr6:157,167,056, G>C. VCF-style: chr6-157167056-G-C. GRCh37 (hg19) VCF-style: chr6-157488190-G-C.
Other names: c.2857G>C, p.Gly953Arg (NM_001346813.1); c.607G>C, p.Gly203Arg (NM_001363725.2); c.3145G>C, p.Gly1049Arg (NM_001371656.1, NM_001374820.1); c.3106G>C, p.Gly1036Arg (NM_017519.3); c.2896G>C, p.Gly966Arg (NM_020732.3); c.2683G>C, p.Gly895Arg (NM_175863.2); short protein forms G1049R, G895R, G203R, G966R, G1036R, G953R.
Identifiers: ClinVar variation 2847886 (VCV002847886.3), dbSNP rs34786733, ClinGen allele CA366389360.